The following is an entry in ClinVar:

ClinVar aggregate classification (germline): Pathogenic (1 of 4 stars; one submission).

Submission:

Labcorp Genetics (formerly Invitae), Labcorp
Classification: Pathogenic. Last evaluated: 2023-12-01. Review status: criteria provided, single submitter. Criteria: Invitae Variant Classification Sherloc (09022015). Collection method: clinical testing. Allele origin: germline.
Comment: This sequence change creates a premature translational stop signal (p.Asn1163Metfs*18) in the DENND5A gene. It is expected to result in an absent or disrupted protein product. Loss-of-function variants in DENND5A are known to be pathogenic (PMID: 27431290, 27866705). This variant is present in population databases (no rsID available, gnomAD 0.008%). This variant has not been reported in the literature in individuals affected with DENND5A-related conditions. ClinVar contains an entry for this variant (Variation ID: 1982745). For these reasons, this variant has been classified as Pathogenic.

Literature cited by the submitters: PubMed 27431290; PubMed 27866705.

NM_015213.4(DENND5A):c.3488del (p.Asn1163fs)

Gene: DENND5A (DENN domain containing 5A; minus strand). Cytogenetic location: 11p15.4.
Variant type: Deletion.
Coding change: c.3488del on transcript NM_015213.4 (MANE Select); coding-DNA position 3488, one base deleted (A; older notation c.3488delA).
Protein change: p.Asn1163fs; shifts the reading frame from asparagine 1163.
Molecular consequence: frameshift variant. On other transcripts: non-coding transcript variant (1).
Genome position (GRCh38, 1-based): chr11:9,142,745, T deleted on the plus strand (A on the coding strand, the reverse complement: DENND5A is on the minus strand); the first of 5 consecutive T bases (chr11:9,142,745-9,142,749); deleting any one gives the same sequence. VCF-style (leftmost placement, unchanged base first): chr11-9142744-AT-A. GRCh37 (hg19) VCF-style: chr11-9164291-AT-A.
Other names: c.3488del, p.Asn1163fs (NM_001243254.2); c.3484delA, p.Asn1163Metfs (NM_001348748.1); c.3416del, p.Asn1139fs (NM_001348749.2); c.3200del, p.Asn1067fs (NM_001348750.2); short protein forms N1139fs, N1163fs, N1067fs.
Identifiers: ClinVar variation 1982745 (VCV001982745.4), dbSNP rs1292115878, ClinGen allele CA597348482.